The following is an entry in ClinVar:

NM_001486.4(GCKR):c.870-4C>T

Gene: GCKR (glucokinase regulator; plus strand). Cytogenetic location: 2p23.3.
Variant type: single nucleotide variant.
Coding change: c.870-4C>T on transcript NM_001486.4 (MANE Select); 4 bases into the intron before coding-DNA position 870, C replaced by T.
Molecular consequence: intron variant.
Genome position (GRCh38, 1-based): chr2:27,506,477, C>T. VCF-style: chr2-27506477-C-T. GRCh37 (hg19) VCF-style: chr2-27729344-C-T.
Identifiers: ClinVar variation 3352843 (VCV003352843.1).

ClinVar aggregate classification (germline): Likely benign (0 of 4 stars; one submission).

Conditions:
GCKR-related disorder. Also called: GCKR-related condition.

gnomAD v4.1: 3 of 1,609,752 alleles (0.00019%); highest among the groups gnomAD compares: Middle Eastern, 0.017%; no homozygotes.

Submission:

PreventionGenetics, part of Exact Sciences
Classification: Likely benign for GCKR-related condition. Last evaluated: 2019-03-12. Review status: no assertion criteria provided. Collection method: clinical testing. Allele origin: germline.
Comment: This variant is classified as likely benign based on ACMG/AMP sequence variant interpretation guidelines (Richards et al. 2015 PMID: 25741868, with internal and published modifications).